The following is an entry in ClinVar:

NM_001387430.1(SH2B1):c.167C>T (p.Ala56Val)

Gene: SH2B1 (SH2B adaptor protein 1; plus strand). Cytogenetic location: 16p11.2.
Variant type: single nucleotide variant.
Coding change: c.167C>T on transcript NM_001387430.1 (MANE Select); coding-DNA position 167, C replaced by T.
Protein change: p.Ala56Val; replaces alanine 56 with valine.
Molecular consequence: missense variant. On other transcripts: intron variant (1).
Genome position (GRCh38, 1-based): chr16:28,866,261, C>T. VCF-style: chr16-28866261-C-T. GRCh37 (hg19) VCF-style: chr16-28877582-C-T.
Other names: c.167C>T, p.Ala56Val (NM_001145795.2, NM_001145796.2, NM_001145797.2 and 4 more transcripts); c.-26-1113C>T (NM_001308294.2); short protein forms A56V.
Identifiers: ClinVar variation 2636049 (VCV002636049.2), dbSNP rs747937817, ClinGen allele CA7985865.

ClinVar aggregate classification (germline): Uncertain significance (0 of 4 stars; one submission).

Conditions:
SH2B1-related disorder. Also called: SH2B1-related condition.

Allele frequency attached by ClinVar (database versions not stated): gnomAD 0.00001; TOPMed 0.00001; ExAC 0.00004.
gnomAD v4.1: 35 of 1,609,792 alleles (0.0022%); highest among the groups gnomAD compares: South Asian, 0.02%; no homozygotes.

Submission:

PreventionGenetics, part of Exact Sciences
Classification: Uncertain significance for SH2B1-related condition. Last evaluated: 2024-07-08. Review status: no assertion criteria provided. Collection method: clinical testing. Allele origin: germline.
Comment: The SH2B1 c.167C>T variant is predicted to result in the amino acid substitution p.Ala56Val. To our knowledge, this variant has not been reported in the literature. This variant is reported in 0.017% of alleles in individuals of East Asian descent in gnomAD. At this time, the clinical significance of this variant is uncertain due to the absence of conclusive functional and genetic evidence.